The following is an entry in ClinVar:

ClinVar aggregate classification (germline): Uncertain significance (1 of 4 stars; one submission).

Conditions:
Inborn genetic diseases. Identifiers: MedGen C0950123, MeSH D030342.

Allele frequency attached by ClinVar (database versions not stated): gnomAD 0.00001; TOPMed 0.00001.
gnomAD v4.1: 1 of 1,612,438 alleles (0.000062%); highest among the groups gnomAD compares: Non-Finnish European, 0.000085%; no homozygotes.

Submission:

Ambry Genetics
Classification: Uncertain significance for Inborn genetic diseases. Last evaluated: 2024-10-23. Review status: criteria provided, single submitter. Criteria: Ambry Variant Classification Scheme 2023. Collection method: clinical testing. Allele origin: germline.
Comment: The p.F2083L variant (also known as c.6249T>A), located in coding exon 42 of the LRRK2 gene, results from a T to A substitution at nucleotide position 6249. The phenylalanine at codon 2083 is replaced by leucine, an amino acid with highly similar properties. This amino acid position is conserved. In addition, this alteration is predicted to be deleterious by in silico analysis. Since supporting evidence is limited at this time, the clinical significance of this alteration remains unclear.

NM_198578.4(LRRK2):c.6249T>A (p.Phe2083Leu)

Gene: LRRK2 (leucine rich repeat kinase 2; plus strand). Cytogenetic location: 12q12.
Variant type: single nucleotide variant.
Coding change: c.6249T>A on transcript NM_198578.4 (MANE Select); coding-DNA position 6249, T replaced by A.
Protein change: p.Phe2083Leu; replaces phenylalanine 2083 with leucine.
Molecular consequence: missense variant.
Genome position (GRCh38, 1-based): chr12:40,346,892, T>A. VCF-style: chr12-40346892-T-A. GRCh37 (hg19) VCF-style: chr12-40740694-T-A.
Other names: short protein forms F2083L.
Identifiers: ClinVar variation 3229725 (VCV003229725.2), dbSNP rs1395966733, ClinGen allele CA384405635.